The following is an entry in ClinVar:

ClinVar aggregate classification (germline): Likely benign. Review status: criteria provided, multiple submitters, no conflicts (2 of 4 stars). 4 submissions from 4 submitters: Likely benign (3). 1 of the submissions does not count toward it. Last evaluated 2026-01-19.

Conditions:
ADGRV1-related disorder. Also called: ADGRV1-related condition; ADGRV1-related disorders.

Allele frequency attached by ClinVar (database versions not stated): gnomAD exomes 0.00002 and 0.00010; gnomAD 0.00006; ExAC 0.00008; TOPMed 0.00008; 1000 Genomes Project 30x 0.00016; 1000 Genomes Project 0.00020.
gnomAD v4.1: 33 of 1,554,880 alleles (0.0021%); highest among the groups gnomAD compares: East Asian, 0.073%; no homozygotes.

Submissions (4):

Labcorp Genetics (formerly Invitae), Labcorp
Classification: Likely benign. Last evaluated: 2026-01-19. Review status: criteria provided, single submitter. Criteria: Invitae Variant Classification Sherloc (09022015). Collection method: clinical testing. Allele origin: germline.

Blueprint Genetics
Classification: Likely benign. Last evaluated: 2024-02-14. Review status: criteria provided, single submitter. Criteria: ACMG Guidelines, 2015. Collection method: clinical testing. Allele origin: germline.

Laboratory for Molecular Medicine, Mass General Brigham Personalized Medicine
Classification: Likely benign. Last evaluated: 2015-02-26. Review status: criteria provided, single submitter. Criteria: LMM Criteria. Collection method: clinical testing. Allele origin: germline. Observed: 1 variant allele.
Comment: p.Glu6207Glu in exon 88 of GPR98: This variant is not expected to have clinical significance because it does not alter an amino acid residue and is not located within the splice consensus sequence. It has been identified in 0.1% (6/5462) of East Asian chromosomes by the Exome Aggregation Consortium (ExAC; dbSNP rs543269561).

PreventionGenetics, part of Exact Sciences
Classification: Likely benign for ADGRV1-related condition. Last evaluated: 2019-08-07. Review status: no assertion criteria provided. Collection method: clinical testing. Allele origin: germline. Not counted in ClinVar's aggregate classification.
Comment: This variant is classified as likely benign based on ACMG/AMP sequence variant interpretation guidelines (Richards et al. 2015 PMID: 25741868, with internal and published modifications).

NM_032119.4(ADGRV1):c.18621G>A (p.Glu6207=)

Gene: ADGRV1 (adhesion G protein-coupled receptor V1; plus strand). Cytogenetic location: 5q14.3.
Variant type: single nucleotide variant.
Coding change: c.18621G>A on transcript NM_032119.4 (MANE Select); coding-DNA position 18621, G replaced by A.
Protein change: p.Glu6207=; no amino-acid change (glutamic acid 6207 retained).
Molecular consequence: synonymous variant. On other transcripts: non-coding transcript variant (1).
Genome position (GRCh38, 1-based): chr5:91,150,218, G>A. VCF-style: chr5-91150218-G-A. GRCh37 (hg19) VCF-style: chr5-90446035-G-A.
Identifiers: ClinVar variation 227401 (VCV000227401.16), dbSNP rs543269561, ClinGen allele CA3342697.